The following is an entry in ClinVar:

U43746.1(BRCA2):n.8149_8154del6insAG

Gene: BRCA2 (BRCA2 DNA repair associated; plus strand). Cytogenetic location: 13q13.1.
Variant type: Indel.
Genome position: GRCh38 VCF-style: chr13-32362638-GAATTT-AG. GRCh37 (hg19) VCF-style: chr13-32936775-GAATTT-AG.
Other names: 8149del6insAG; c.7921_7926delinsAG, p.Glu2641fs (LRG_293t1).
Identifiers: ClinVar variation 126162 (VCV000126162.7), dbSNP rs276174897, ClinGen allele CA025336.

ClinVar aggregate classification (germline): Pathogenic. Review status: reviewed by expert panel (3 of 4 stars). 3 submissions from 3 submitters: Pathogenic (1). 2 of the submissions do not count toward it. Last evaluated 2016-10-18.

Conditions:
Breast-ovarian cancer, familial, susceptibility to, 2 (BROVCA2). Also called: BRCA2 Hereditary Breast and Ovarian Cancer. Identifiers: Orphanet 145, MedGen C2675520, MONDO:0012933, OMIM 612555. Disease mechanism: loss of function.

Submissions (3):

Evidence-based Network for the Interpretation of Germline Mutant Alleles (ENIGMA)
Classification: Pathogenic for Breast-ovarian cancer, familial, susceptibility to, 2. Last evaluated: 2016-10-18. Review status: reviewed by expert panel. Criteria: ENIGMA BRCA1/2 Classification Criteria (2015). Collection method: curation. Allele origin: germline.
Comment: Variant allele predicted to encode a truncated non-functional protein.

Consortium of Investigators of Modifiers of BRCA1/2 (CIMBA), c/o University of Cambridge
Classification: Pathogenic for Breast-ovarian cancer, familial, susceptibility to, 2. Last evaluated: 2015-10-02. Review status: criteria provided, single submitter. Criteria: CIMBA Mutation Classification guidelines May 2016. Collection method: clinical testing. Allele origin: germline. Not counted in ClinVar's aggregate classification.

Breast Cancer Information Core (BIC) (BRCA2)
Classification: Pathogenic for Breast-ovarian cancer, familial 2. Last evaluated: 2004-03-30. Review status: no assertion criteria provided. Collection method: clinical testing. Allele origin: germline. Affected: yes. Observed: 1 variant allele. Not counted in ClinVar's aggregate classification.